The following is an entry in ClinVar:

NC_000009.11:g.(?_102886435)_(102888697_?)del

Gene: INVS (inversin; plus strand). Cytogenetic location: 9q31.1.
Variant type: Deletion.
Identifiers: ClinVar variation 3245137 (VCV003245137.1).

ClinVar aggregate classification (germline): Pathogenic (1 of 4 stars; one submission).

Conditions:
Nephronophthisis. Also called: Juvenile Nephronophthisis. Identifiers: Orphanet 655, MedGen C0687120, MONDO:0019005, HP:0000090.

Submission:

Labcorp Genetics (formerly Invitae), Labcorp
Classification: Pathogenic for Nephronophthisis. Last evaluated: 2023-02-10. Review status: criteria provided, single submitter. Criteria: Invitae Variant Classification Sherloc (09022015). Collection method: clinical testing. Allele origin: unknown.
Comment: This variant results in the deletion of part of exon 3 (c.107-2230_139del) of the INVS gene. It is expected to disrupt RNA splicing. Variants that disrupt the donor or acceptor splice site typically lead to a loss of protein function (PMID: 16199547), and loss-of-function variants in INVS are known to be pathogenic (PMID: 12872123). This variant has been observed in individual(s) with clinical features of nephronophthisis (Invitae). In at least one individual the data is consistent with being in trans (on the opposite chromosome) from a pathogenic variant. For these reasons, this variant has been classified as Pathogenic.

Literature cited by the submitters: PubMed 16199547; PubMed 12872123.